The following is an entry in ClinVar:

NM_024589.3(ROGDI):c.829G>T (p.Val277Leu)

Gene: ROGDI (rogdi atypical leucine zipper; minus strand). Cytogenetic location: 16p13.3.
Variant type: single nucleotide variant.
Coding change: c.829G>T on transcript NM_024589.3 (MANE Select); coding-DNA position 829, G replaced by T.
Protein change: p.Val277Leu; replaces valine 277 with leucine.
Molecular consequence: missense variant. On other transcripts: non-coding transcript variant (1).
Genome position (GRCh38, 1-based): chr16:4,797,495, C>A on the plus strand (G>T on the coding strand, the complement: ROGDI is on the minus strand). VCF-style: chr16-4797495-C-A. GRCh37 (hg19) VCF-style: chr16-4847496-C-A.
Other names: short protein forms V277L.
Identifiers: ClinVar variation 807983 (VCV000807983.48), dbSNP rs759234056, ClinGen allele CA7882421.

ClinVar aggregate classification (germline): Uncertain significance. Review status: criteria provided, multiple submitters, no conflicts (2 of 4 stars). 2 submissions from 2 submitters: Uncertain significance (2). Last evaluated 2023-12-07.

Conditions:
Amelocerebrohypohidrotic syndrome (KTZS). Also called: EPILEPSY AND YELLOW TEETH; EPILEPSY, DEMENTIA, AND AMELOGENESIS IMPERFECTA; Kohlschutter's syndrome; KOHLSCHUTTER SYNDROME. Identifiers: Orphanet 1946, MedGen C0406740, MONDO:0009185, OMIM 226750.

Allele frequency attached by ClinVar (database versions not stated): ExAC 0.00001.

Submissions (2):

Labcorp Genetics (formerly Invitae), Labcorp
Classification: Uncertain significance for Amelocerebrohypohidrotic syndrome. Last evaluated: 2023-12-07. Review status: criteria provided, single submitter. Criteria: Invitae Variant Classification Sherloc (09022015). Collection method: clinical testing. Allele origin: germline.
Comment: This sequence change replaces valine, which is neutral and non-polar, with leucine, which is neutral and non-polar, at codon 277 of the ROGDI protein (p.Val277Leu). The frequency data for this variant in the population databases is considered unreliable, as metrics indicate poor data quality at this position in the gnomAD database. This variant has not been reported in the literature in individuals affected with ROGDI-related conditions. ClinVar contains an entry for this variant (Variation ID: 807983). An algorithm developed to predict the effect of missense changes on protein structure and function (PolyPhen-2) suggests that this variant is likely to be disruptive. In summary, the available evidence is currently insufficient to determine the role of this variant in disease. Therefore, it has been classified as a Variant of Uncertain Significance.

CeGaT Center for Human Genetics Tuebingen
Classification: Uncertain significance. Last evaluated: 2018-07-01. Review status: criteria provided, single submitter. Criteria: CeGaT Center For Human Genetics Tuebingen Variant Classification Criteria Version 2. Collection method: clinical testing. Allele origin: germline. Affected: yes. Observed: 1 variant allele.